The following is an entry in ClinVar:

ClinVar aggregate classification (germline): Uncertain significance (1 of 4 stars; one submission).

Conditions:
Dyskeratosis congenita, autosomal recessive 5 (DKCB5). Identifiers: MedGen C3554656, MONDO:0014076, OMIM 615190.
Pulmonary fibrosis and/or bone marrow failure, Telomere-related, 3. Also called: PULMONARY FIBROSIS AND/OR BONE MARROW FAILURE SYNDROME, TELOMERE-RELATED, 3. Identifiers: Orphanet 2032, MedGen C4225346, MONDO:0014613, OMIM 616373.

Submission:

Labcorp Genetics (formerly Invitae), Labcorp
Classification: Uncertain significance for Dyskeratosis congenita, autosomal recessive 5; Pulmonary fibrosis and/or bone marrow failure, Telomere-related, 3. Last evaluated: 2025-07-06. Review status: criteria provided, single submitter. Criteria: Invitae Variant Classification Sherloc (09022015). Collection method: clinical testing. Allele origin: germline.
Comment: This variant, c.3451_3453del, results in the deletion of 1 amino acid(s) of the RTEL1 protein (p.Glu1151del), but otherwise preserves the integrity of the reading frame. This variant is present in population databases (rs777014655, gnomAD 0.007%). This variant has not been reported in the literature in individuals affected with RTEL1-related conditions. Experimental studies and prediction algorithms are not available or were not evaluated, and the functional significance of this variant is currently unknown. In summary, the available evidence is currently insufficient to determine the role of this variant in disease. Therefore, it has been classified as a Variant of Uncertain Significance.

NM_001283009.2(RTEL1):c.3448GAG[1] (p.Glu1151del)

Genes: RTEL1 (regulator of telomere elongation helicase 1; plus strand), RTEL1-TNFRSF6B (RTEL1-TNFRSF6B readthrough (NMD candidate); plus strand). Cytogenetic location: 20q13.33.
Variant type: Microsatellite.
Coding change: c.3448GAG[1] on transcript NM_001283009.2 (MANE Select); one copy of the 3-base unit GAG starting at c.3448; the reference has two copies in a row; one copy, 3 bases deleted.
Protein change: p.Glu1151del; deletes glutamic acid 1151.
Molecular consequence: inframe deletion. On other transcripts: non-coding transcript variant (1).
Genome position (GRCh38, 1-based): chr20:63,695,173-63,695,175, GAG deleted; deleting any 3 consecutive bases within chr20:63,695,168-63,695,175 gives the same sequence; the position shown is the placement nearest the transcript's 3' end. VCF-style (leftmost placement, unchanged base first): chr20-63695167-CAGG-C. GRCh37 (hg19) VCF-style: chr20-62326520-CAGG-C.
Other names: c.2779GAG[1], p.Glu928del (NM_001283010.1); c.3448GAG[1], p.Glu1151del (NM_016434.4); c.3520GAG[1], p.Glu1175del (NM_032957.5); short protein forms E1151del, E928del, E1175del.
Identifiers: ClinVar variation 1393629 (VCV001393629.13), dbSNP rs777014655, ClinGen allele CA9966037.